The following is an entry in ClinVar:

NM_016284.5(CNOT1):c.182G>A (p.Gly61Asp)

Gene: CNOT1 (CCR4-NOT transcription complex subunit 1; minus strand). Cytogenetic location: 16q21.
Variant type: single nucleotide variant.
Coding change: c.182G>A on transcript NM_016284.5 (MANE Select); coding-DNA position 182, G replaced by A.
Protein change: p.Gly61Asp; replaces glycine 61 with aspartic acid.
Molecular consequence: missense variant. On other transcripts: non-coding transcript variant (1).
Genome position (GRCh38, 1-based): chr16:58,588,827, C>T on the plus strand (G>A on the coding strand, the complement: CNOT1 is on the minus strand). VCF-style: chr16-58588827-C-T. GRCh37 (hg19) VCF-style: chr16-58622731-C-T.
Other names: c.182G>A, p.Gly61Asp (NM_001265612.2, NM_206999.3); short protein forms G61D.
Identifiers: ClinVar variation 3685522 (VCV003685522.2).

ClinVar aggregate classification (germline): Uncertain significance (1 of 4 stars; one submission).

Submission:

Labcorp Genetics (formerly Invitae), Labcorp
Classification: Uncertain significance. Last evaluated: 2025-02-17. Review status: criteria provided, single submitter. Criteria: Invitae Variant Classification Sherloc (09022015). Collection method: clinical testing. Allele origin: germline.
Comment: This sequence change replaces glycine, which is neutral and non-polar, with aspartic acid, which is acidic and polar, at codon 61 of the CNOT1 protein (p.Gly61Asp). This variant is not present in population databases (gnomAD no frequency). This variant has not been reported in the literature in individuals affected with CNOT1-related conditions. An algorithm developed to predict the effect of missense changes on protein structure and function (PolyPhen-2) suggests that this variant is likely to be disruptive. In summary, the available evidence is currently insufficient to determine the role of this variant in disease. Therefore, it has been classified as a Variant of Uncertain Significance.